The following is an entry in ClinVar:

NM_000458.4(HNF1B):c.517G>A (p.Val173Ile)

Gene: HNF1B (HNF1 homeobox B; minus strand). Cytogenetic location: 17q12.
Variant type: single nucleotide variant.
Coding change: c.517G>A on transcript NM_000458.4 (MANE Select); coding-DNA position 517, G replaced by A.
Protein change: p.Val173Ile; replaces valine 173 with isoleucine.
Molecular consequence: missense variant.
Genome position (GRCh38, 1-based): chr17:37,739,467, C>T on the plus strand (G>A on the coding strand, the complement: HNF1B is on the minus strand). VCF-style: chr17-37739467-C-T. GRCh37 (hg19) VCF-style: chr17-36099458-C-T.
Other names: NM_000458.4:c.517G>A; c.517G>A, p.Val173Ile (NM_001165923.4, NM_001304286.2); short protein forms V173I.
Identifiers: ClinVar variation 635678 (VCV000635678.19), dbSNP rs925595786, ClinGen allele CA290288602.

ClinVar aggregate classification (germline): Conflicting classifications of pathogenicity. Review status: criteria provided, conflicting classifications (1 of 4 stars). 3 submissions from 3 submitters: Likely pathogenic (1); Uncertain significance (2). Last evaluated 2020-01-22.

Conditions:
Renal cysts and diabetes syndrome (RCAD). Also called: Familial hypoplastic, glomerulocystic kidney; MATURITY-ONSET DIABETES OF THE YOUNG, TYPE 5. Identifiers: Orphanet 93111, MedGen C0431693, MONDO:0007669, OMIM 137920.
Maturity-onset diabetes of the young (MODY). Also called: Maturity onset diabetes mellitus in young. Identifiers: Orphanet 552, MedGen C0342276, MONDO:0018911, HP:0004904.

Allele frequency attached by ClinVar (database versions not stated): gnomAD 0.00001; TOPMed 0.00002.
gnomAD v4.1: 32 of 1,614,046 alleles (0.002%); highest among the groups gnomAD compares: Admixed American, 0.0067%; no homozygotes.

Submissions (3):

Broad Center for Mendelian Genomics, Broad Institute of MIT and Harvard
Classification: Uncertain significance for Maturity-onset diabetes of the young. Last evaluated: 2020-01-22. Review status: criteria provided, single submitter. Criteria: ACMG Guidelines, 2015. Collection method: curation. Allele origin: germline. Inheritance: Autosomal dominant inheritance.
Comment: Please note that for diseases with clinical variability, or reduced penetrance, pathogenic variants may be present at a low frequency in the general population. Computational prediction tools and conservation analyses suggest that this variant may impact the protein, though this information is not predictive enough to determine pathogenicity. In summary, while there is some suspicion for a pathogenic role, the clinical significance of this variant is uncertain. ACMG/AMP Criteria applied: PP3 (Richards 2015).

Institute of Human Genetics, FAU Erlangen, Friedrich-Alexander-Universität Erlangen-Nürnberg
Classification: Likely pathogenic for Renal cysts and diabetes syndrome. Last evaluated: 2019-07-06. Review status: criteria provided, single submitter. Criteria: ACMG Guidelines, 2015. Collection method: literature only. Allele origin: germline. Affected: yes.
Comment: This variant and it's classification has been reported by Vasileiou et al. 2019; DOI:10.1101/576918. The variants has previously been reported in PMID:25700310; PMID:22432796; PMID:25536396 as "c.517G>A" with clinical significance Pathogenic. It has been re-classified using InterVar and manual curation as Likely pathogenic based on PM1 PM2 PM5 PP3 PP5.

Illumina Laboratory Services, Illumina
Classification: Uncertain significance for Renal cysts and diabetes syndrome. Last evaluated: 2017-04-28. Review status: criteria provided, single submitter. Criteria: ICSL Variant Classification Criteria 13 December 2019. Collection method: clinical testing. Allele origin: germline.
Comment: This variant was observed as part of a predisposition screen in an ostensibly healthy population. A literature search was performed for the gene, cDNA change, and amino acid change (where applicable). Publications were found based on this search. However, the evidence from the literature, in combination with allele frequency data from public databases where available, was not sufficient to rule this variant in or out of causing disease. Therefore, this variant is classified as a variant of unknown significance.

Literature cited by the submitters: PubMed 25700310 (cited by Institute of Human Genetics, FAU Erlangen, Friedrich-Alexander-Universität Erlangen-Nürnberg and Illumina Laboratory Services, Illumina); PubMed 22432796 (cited by Institute of Human Genetics, FAU Erlangen, Friedrich-Alexander-Universität Erlangen-Nürnberg and Illumina Laboratory Services, Illumina); PubMed 25536396 (cited by Institute of Human Genetics, FAU Erlangen, Friedrich-Alexander-Universität Erlangen-Nürnberg); DOI 10.1101/576918 (cited by Institute of Human Genetics, FAU Erlangen, Friedrich-Alexander-Universität Erlangen-Nürnberg); PubMed 27297286 (cited by Illumina Laboratory Services, Illumina).